The following is an entry in ClinVar:

ClinVar aggregate classification (germline): Uncertain significance (1 of 4 stars; one submission).

Conditions:
Congenital muscular dystrophy due to integrin alpha-7 deficiency. Also called: Congenital muscular dystrophy with integrin alpha-7 deficiency; Muscular dystrophy, congenital, due to ITGA7 deficiency; MYOPATHY, CONGENITAL, DUE TO INTEGRIN ALPHA-7 DEFICIENCY. Identifiers: Orphanet 34520, MedGen C2750786, MONDO:0013177, OMIM 613204.

Allele frequency attached by ClinVar (database versions not stated): TOPMed 0.00001; gnomAD 0.00003.
gnomAD v4.1: 36 of 1,612,976 alleles (0.0022%); highest among the groups gnomAD compares: Non-Finnish European, 0.0028%; no homozygotes.

Submission:

Labcorp Genetics (formerly Invitae), Labcorp
Classification: Uncertain significance for Congenital muscular dystrophy due to integrin alpha-7 deficiency. Last evaluated: 2022-02-25. Review status: criteria provided, single submitter. Criteria: Invitae Variant Classification Sherloc (09022015). Collection method: clinical testing. Allele origin: germline.
Comment: In summary, the available evidence is currently insufficient to determine the role of this variant in disease. Therefore, it has been classified as a Variant of Uncertain Significance. Algorithms developed to predict the effect of sequence changes on RNA splicing suggest that this variant may disrupt the consensus splice site. Algorithms developed to predict the effect of missense changes on protein structure and function are either unavailable or do not agree on the potential impact of this missense change (SIFT: "Deleterious"; PolyPhen-2: "Possibly Damaging"; Align-GVGD: "Class C0"). ClinVar contains an entry for this variant (Variation ID: 470580). This variant has not been reported in the literature in individuals affected with ITGA7-related conditions. This variant is present in population databases (no rsID available, gnomAD 0.004%). This sequence change replaces arginine, which is basic and polar, with tryptophan, which is neutral and slightly polar, at codon 129 of the ITGA7 protein (p.Arg129Trp).

NM_002206.3(ITGA7):c.385C>T (p.Arg129Trp)

Gene: ITGA7 (integrin subunit alpha 7; minus strand). Cytogenetic location: 12q13.2.
Variant type: single nucleotide variant.
Coding change: c.385C>T on transcript NM_002206.3 (MANE Select); coding-DNA position 385, C replaced by T.
Protein change: p.Arg129Trp; replaces arginine 129 with tryptophan.
Molecular consequence: missense variant. On other transcripts: 5 prime UTR variant (1), intron variant (1).
Genome position (GRCh38, 1-based): chr12:55,702,901, G>A on the plus strand (C>T on the coding strand, the complement: ITGA7 is on the minus strand). VCF-style: chr12-55702901-G-A. GRCh37 (hg19) VCF-style: chr12-56096685-G-A.
Other names: c.385C>T, p.Arg129Trp (NM_001144996.2, NM_001374465.1, NM_001410977.1 and 6 more transcripts); c.46C>T, p.Arg16Trp (NM_001367993.1, NM_001414035.1); c.-788C>T (NM_001367994.1); c.86-1485C>T (NM_001144997.2); short protein forms R129W, R16W.
Identifiers: ClinVar variation 470580 (VCV000470580.9), dbSNP rs773647967, ClinGen allele CA237580830.